The following is an entry in ClinVar:

ClinVar aggregate classification (germline): Conflicting classifications of pathogenicity. Review status: criteria provided, conflicting classifications (1 of 4 stars). 3 submissions from 3 submitters: Uncertain significance (1); Likely benign (2). Last evaluated 2024-04-25.

Conditions:
Wilson disease (WND). Also called: Wilson's disease. Identifiers: Orphanet 905, MedGen C0019202, MONDO:0010200, OMIM 277900. Disease mechanism: loss of function.

Allele frequency attached by ClinVar (database versions not stated): gnomAD 0.00001; gnomAD exomes 0.00001; TOPMed 0.00001; ExAC 0.00002; ESP Exome Variant Server 0.00008.

Submissions (3):

All of Us Research Program, National Institutes of Health
Classification: Likely benign for Wilson disease. Last evaluated: 2024-04-25. Review status: criteria provided, single submitter. Criteria: ACMG Guidelines, 2015. Collection method: clinical testing. Allele origin: germline. Inheritance: Autosomal recessive inheritance. Observed: 2 variant alleles, 2 heterozygotes.
Comment: This study involves interpretation of variants in research participants for the purpose of population health screening. Participant phenotype was not available at the time of variant classification. Additional details can be found in publication PMID: 35346344, PMCID: PMC8962531

Color Diagnostics, LLC DBA Color Health
Classification: Likely benign for Wilson disease. Last evaluated: 2023-04-27. Review status: criteria provided, single submitter. Criteria: ACMG Guidelines, 2015. Collection method: clinical testing. Allele origin: germline.

Eurofins Ntd Llc (ga)
Classification: Uncertain significance. Last evaluated: 2017-02-20. Review status: criteria provided, single submitter. Criteria: EGL Classification Definitions 2015. Collection method: clinical testing. Allele origin: germline. Observed: 1 variant allele, 1 heterozygote.

NM_000053.4(ATP7B):c.999G>T (p.Gly333=)

Gene: ATP7B (ATPase copper transporting beta; minus strand). Cytogenetic location: 13q14.3.
Variant type: single nucleotide variant.
Coding change: c.999G>T on transcript NM_000053.4 (MANE Select); coding-DNA position 999, G replaced by T.
Protein change: p.Gly333=; no amino-acid change (glycine 333 retained).
Molecular consequence: synonymous variant. On other transcripts: intron variant (1).
Genome position (GRCh38, 1-based): chr13:51,974,221, C>A on the plus strand (G>T on the coding strand, the complement: ATP7B is on the minus strand). VCF-style: chr13-51974221-C-A. GRCh37 (hg19) VCF-style: chr13-52548357-C-A.
Other names: c.999G>T, p.Gly333= (NM_001005918.3, NM_001330578.2, NM_001330579.2); c.803-137G>T (NM_001243182.2).
Identifiers: ClinVar variation 500187 (VCV000500187.8), dbSNP rs371930715, ClinGen allele CA6989456.